The following is an entry in ClinVar:

ClinVar aggregate classification (germline): Uncertain significance. Review status: criteria provided, multiple submitters, no conflicts (2 of 4 stars). 2 submissions from 2 submitters: Uncertain significance (2). Last evaluated 2026-01-24.

Conditions:
T-cell immunodeficiency, congenital alopecia, and nail dystrophy. Also called: Congenital alopecia and nail dystrophy associated with severe functional T-cell immunodeficiency; Pignata Guarino syndrome. Identifiers: Orphanet 169095, MedGen C1866426, MONDO:0011132, OMIM 601705.

Allele frequency attached by ClinVar (database versions not stated): ExAC 0.00005; gnomAD exomes 0.00007 and 0.00015; ESP Exome Variant Server 0.00008; TOPMed 0.00008; gnomAD 0.00009.
gnomAD v4.1: 237 of 1,614,018 alleles (0.015%); highest among the groups gnomAD compares: Non-Finnish European, 0.019%; no homozygotes.

Submissions (2):

Labcorp Genetics (formerly Invitae), Labcorp
Classification: Uncertain significance for T-cell immunodeficiency, congenital alopecia, and nail dystrophy. Last evaluated: 2026-01-24. Review status: criteria provided, single submitter. Criteria: Invitae Variant Classification Sherloc (09022015). Collection method: clinical testing. Allele origin: germline.
Comment: This sequence change replaces glycine, which is neutral and non-polar, with aspartic acid, which is acidic and polar, at codon 239 of the FOXN1 protein (p.Gly239Asp). This variant is present in population databases (rs369460924, gnomAD 0.01%). This variant has not been reported in the literature in individuals affected with FOXN1-related conditions. ClinVar contains an entry for this variant (Variation ID: 1006914). Invitae Evidence Modeling of protein sequence and biophysical properties (such as structural, functional, and spatial information, amino acid conservation, physicochemical variation, residue mobility, and thermodynamic stability) indicates that this missense variant is not expected to disrupt FOXN1 protein function with a negative predictive value of 80%. In summary, the available evidence is currently insufficient to determine the role of this variant in disease. Therefore, it has been classified as a Variant of Uncertain Significance.

Blueprint Genetics
Classification: Uncertain significance. Last evaluated: 2024-01-03. Review status: criteria provided, single submitter. Criteria: ACMG Guidelines, 2015. Collection method: clinical testing. Allele origin: germline.

NM_001369369.1(FOXN1):c.716G>A (p.Gly239Asp)

Gene: FOXN1 (forkhead box N1; plus strand). Cytogenetic location: 17q11.2.
Variant type: single nucleotide variant.
Coding change: c.716G>A on transcript NM_001369369.1 (MANE Select); coding-DNA position 716, G replaced by A.
Protein change: p.Gly239Asp; replaces glycine 239 with aspartic acid.
Molecular consequence: missense variant.
Genome position (GRCh38, 1-based): chr17:28,529,110, G>A. VCF-style: chr17-28529110-G-A. GRCh37 (hg19) VCF-style: chr17-26856128-G-A.
Other names: c.716G>A, p.Gly239Asp (NM_003593.3); short protein forms G239D.
Identifiers: ClinVar variation 1006914 (VCV001006914.5), dbSNP rs369460924, ClinGen allele CA8459326.